The following is an entry in ClinVar:

NM_007194.4(CHEK2):c.1096-7A>G

Gene: CHEK2 (checkpoint kinase 2; minus strand). Cytogenetic location: 22q12.1.
Variant type: single nucleotide variant.
Coding change: c.1096-7A>G on transcript NM_007194.4 (MANE Select); 7 bases into the intron before coding-DNA position 1096, A replaced by G.
Molecular consequence: intron variant.
Genome position (GRCh38, 1-based): chr22:28,695,880, T>C on the plus strand (A>G on the coding strand, the complement: CHEK2 is on the minus strand). VCF-style: chr22-28695880-T-C. GRCh37 (hg19) VCF-style: chr22-29091868-T-C.
Other names: c.433-7A>G (NM_001437942.1, NM_001257387.3); c.895-7A>G (NM_001349956.3); c.1009-7A>G (NM_145862.3); c.1102-7A>G (NM_001438295.1); c.1189-7A>G (NM_001438293.1); c.1138-7A>G (NM_001438294.1); c.1225-7A>G (NM_001005735.3).
Identifiers: ClinVar variation 835830 (VCV000835830.10), dbSNP rs2052567957, ClinGen allele CA916083797.

ClinVar aggregate classification (germline): Uncertain significance (1 of 4 stars; one submission).

Conditions:
Familial cancer of breast. Also called: hereditary breast carcinoma; BREAST CANCER, FAMILIAL; Hereditary breast cancer. Identifiers: Orphanet 227535, MedGen C0346153, MONDO:0016419, OMIM 114480. Disease mechanism: loss of function.

Submission:

Labcorp Genetics (formerly Invitae), Labcorp
Classification: Uncertain significance for Familial cancer of breast. Last evaluated: 2019-02-12. Review status: criteria provided, single submitter. Criteria: Invitae Variant Classification Sherloc (09022015). Collection method: clinical testing. Allele origin: germline.
Comment: This variant is not present in population databases (ExAC no frequency). This sequence change falls in intron 10 of the CHEK2 gene. It does not directly change the encoded amino acid sequence of the CHEK2 protein. This variant has not been reported in the literature in individuals with CHEK2-related conditions. In summary, the available evidence is currently insufficient to determine the role of this variant in disease. Therefore, it has been classified as a Variant of Uncertain Significance. Algorithms developed to predict the effect of sequence changes on RNA splicing suggest that this variant may disrupt the consensus splice site, but this prediction has not been confirmed by published transcriptional studies.